The following is an entry in ClinVar:

ClinVar aggregate classification (germline): Likely pathogenic (1 of 4 stars; one submission).

Conditions:
Osteogenesis imperfecta type 8 (OI8). Identifiers: MedGen C1970458, MONDO:0012581, OMIM 610915.

Submission:

Labcorp Genetics (formerly Invitae), Labcorp
Classification: Likely pathogenic for Osteogenesis imperfecta type 8. Last evaluated: 2023-01-17. Review status: criteria provided, single submitter. Criteria: Invitae Variant Classification Sherloc (09022015). Collection method: clinical testing. Allele origin: germline.
Comment: In summary, the currently available evidence indicates that the variant is pathogenic, but additional data are needed to prove that conclusively. Therefore, this variant has been classified as Likely Pathogenic. This variant disrupts the KDEL domain of the P3H1 protein, which is important for the cellular retention and activity of certain types of proteins (PMID: 3545499). While functional studies have not been performed to directly test the effect of this variant on P3H1 protein function, this suggests that disruption of this region of the protein is causative of disease. ClinVar contains an entry for this variant (Variation ID: 1516631). This variant has not been reported in the literature in individuals affected with P3H1-related conditions. This variant is not present in population databases (gnomAD no frequency). This sequence change creates a premature translational stop signal (p.Val661Argfs*33) in the P3H1 gene. While this is not anticipated to result in nonsense mediated decay, it is expected to disrupt the last 76 amino acid(s) of the P3H1 protein.

Literature cited by the submitters: PubMed 3545499.

NM_022356.4(P3H1):c.1981_1984del (p.Val661fs)

Gene: P3H1 (prolyl 3-hydroxylase 1; minus strand). Cytogenetic location: 1p34.2.
Variant type: Deletion.
Coding change: c.1981_1984del on transcript NM_022356.4 (MANE Select); coding-DNA positions 1981 to 1984, 4 bases deleted (GTGA; older notation c.1981_1984delGTGA).
Protein change: p.Val661fs; shifts the reading frame from valine 661.
Molecular consequence: frameshift variant.
Genome position (GRCh38, 1-based): chr1:42,747,343-42,747,346, TCAC deleted on the plus strand (GTGA on the coding strand, the reverse complement: P3H1 is on the minus strand); deleting any 4 consecutive bases within chr1:42,747,343-42,747,348 gives the same sequence; the c. name uses the placement nearest the transcript's 3' end. VCF-style (leftmost placement, unchanged base first): chr1-42747342-TTCAC-T. GRCh37 (hg19) VCF-style: chr1-43213013-TTCAC-T.
Other names: c.1981_1984del, p.Val661fs (NM_001146289.2, NM_001243246.2); short protein forms V661fs.
Identifiers: ClinVar variation 1516631 (VCV001516631.9), dbSNP rs2124076966, ClinGen allele CA2573132271.